The following is an entry in ClinVar:

ClinVar aggregate classification (germline): Uncertain significance (1 of 4 stars; one submission).

gnomAD v4.1: 6 of 1,614,212 alleles (0.00037%); highest among the groups gnomAD compares: South Asian, 0.0022%; no homozygotes.

Submission:

Labcorp Genetics (formerly Invitae), Labcorp
Classification: Uncertain significance. Last evaluated: 2024-07-21. Review status: criteria provided, single submitter. Criteria: Invitae Variant Classification Sherloc (09022015). Collection method: clinical testing. Allele origin: germline.
Comment: This sequence change replaces alanine, which is neutral and non-polar, with valine, which is neutral and non-polar, at codon 84 of the ZNF341 protein (p.Ala84Val). This variant is not present in population databases (gnomAD no frequency). This variant has not been reported in the literature in individuals affected with ZNF341-related conditions. An algorithm developed to predict the effect of missense changes on protein structure and function (PolyPhen-2) suggests that this variant is likely to be disruptive. In summary, the available evidence is currently insufficient to determine the role of this variant in disease. Therefore, it has been classified as a Variant of Uncertain Significance.

NM_001282933.2(ZNF341):c.251C>T (p.Ala84Val)

Gene: ZNF341 (zinc finger protein 341; plus strand). Cytogenetic location: 20q11.22.
Variant type: single nucleotide variant.
Coding change: c.251C>T on transcript NM_001282933.2 (MANE Select); coding-DNA position 251, C replaced by T.
Protein change: p.Ala84Val; replaces alanine 84 with valine.
Molecular consequence: missense variant. On other transcripts: non-coding transcript variant (1), intron variant (1).
Genome position (GRCh38, 1-based): chr20:33,745,211, C>T. VCF-style: chr20-33745211-C-T. GRCh37 (hg19) VCF-style: chr20-32333017-C-T.
Other names: c.251C>T, p.Ala84Val (NM_032819.5); c.70-3712C>T (NM_001282935.2); short protein forms A84V.
Identifiers: ClinVar variation 3687021 (VCV003687021.1).